The following is an entry in ClinVar:

NM_001395002.1(MAP4K4):c.2178C>G (p.Ser726Arg)

Gene: MAP4K4 (mitogen-activated protein kinase kinase kinase kinase 4; plus strand). Cytogenetic location: 2q11.2.
Variant type: single nucleotide variant.
Coding change: c.2178C>G on transcript NM_001395002.1 (MANE Select); coding-DNA position 2178, C replaced by G.
Protein change: p.Ser726Arg; replaces serine 726 with arginine.
Molecular consequence: missense variant. On other transcripts: non-coding transcript variant (4).
Genome position (GRCh38, 1-based): chr2:101,865,010, C>G. VCF-style: chr2-101865010-C-G. GRCh37 (hg19) VCF-style: chr2-102481472-C-G.
Other names: c.1947C>G, p.Ser649Arg (NM_001242559.2, NM_001384481.1, NM_001384486.1 and 2 more transcripts); c.1923C>G, p.Ser641Arg (NM_001242560.2, NM_001384487.1, NM_001384491.1 and 1 more transcripts); c.2016C>G, p.Ser672Arg (NM_001384476.1, NM_001384484.1, NM_001384485.1 and 1 more transcripts); c.2010C>G, p.Ser670Arg (NM_001384477.1, NM_001384508.1); c.1692C>G, p.Ser564Arg (NM_001384478.1, NM_001384482.1, NM_001384495.1 and 1 more transcripts); c.1785C>G, p.Ser595Arg (NM_001384483.1, NM_001384490.1, NM_001384494.1 and 1 more transcripts); c.2085C>G, p.Ser695Arg (NM_001384492.1, NM_001384520.1, NM_001384543.1); c.2178C>G, p.Ser726Arg (NM_001384497.1, NM_001384506.1); and 11 more; short protein forms S555R, S564R, S586R, S595R, S609R, S618R, S632R, S634R.
Identifiers: ClinVar variation 3365885 (VCV003365885.1).
Genomic context (GRCh38, chr2:101,865,010, plus strand): 5'-TCGCTCCCCTGTTCTGTCCCGTCGAGATTCCCCACTGCAGGGCAGTGGGCAGCAGAATAG[C>G]CAGGCAGGACAGAGAAACTCCACCAGGTAAAAGACAAGTGAGCACTGAGAACAGGCCTTC-3'
Protein context (NP_001381931.1, residues 716-736): SPLQGSGQQN[Ser726Arg]QAGQRNSTSS

ClinVar aggregate classification (germline): Uncertain significance (1 of 4 stars; one submission).

Submission:

GeneDx
Classification: Uncertain significance. Last evaluated: 2023-12-16. Review status: criteria provided, single submitter. Criteria: GeneDx Variant Classification Process June 2021. Collection method: clinical testing. Allele origin: germline. Affected: yes.
Comment: Not observed at significant frequency in large population cohorts (gnomAD); In silico analysis supports that this missense variant has a deleterious effect on protein structure/function; Has not been previously published as pathogenic or benign to our knowledge